The following is an entry in ClinVar:

ClinVar aggregate classification (germline): Uncertain significance. Review status: criteria provided, multiple submitters, no conflicts (2 of 4 stars). 4 submissions from 4 submitters: Uncertain significance (4). Last evaluated 2026-04-16.

Conditions:
LRP5-related disorder. Also called: LRP5-related condition.
Osteogenesis imperfecta (OI). Identifiers: Orphanet 666, MedGen C0029434, MeSH D010013, MONDO:0019019.

Allele frequency attached by ClinVar (database versions not stated): gnomAD 0.00001; TOPMed 0.00001; ExAC 0.00003.

Submissions (4):

PreventionGenetics, part of Exact Sciences
Classification: Uncertain significance for LRP5-related condition. Last evaluated: 2026-04-16. Review status: criteria provided, single submitter. Criteria: ACMG Guidelines, 2015. Collection method: clinical testing. Allele origin: germline.
Comment: The LRP5 c.2237G>A variant is predicted to result in the amino acid substitution p.Arg746Gln. This variant has been reported in individuals with familial exudative vitreoretinopathy (Li et al. 2018. PubMed ID: 30452590; Tao et al. 2021. PubMed ID: 34860240; Chen et al. 2022. PubMed ID: 36018796). This variant is reported in 0.0044% of alleles in individuals of European (Non-Finnish) descent in gnomAD. Another variant affecting the same amino acid position, c.2237G>C, p.(Arg746Pro), has been reported in an individual with familial exudative vitreoretinopathy (Rao et al. 2017. PubMed ID: 28494495). At this time, the clinical significance of this variant is uncertain due to the absence of conclusive functional and genetic evidence.

Labcorp Genetics (formerly Invitae), Labcorp
Classification: Uncertain significance. Last evaluated: 2025-09-08. Review status: criteria provided, single submitter. Criteria: Invitae Variant Classification Sherloc (09022015). Collection method: clinical testing. Allele origin: germline.
Comment: This sequence change replaces arginine, which is basic and polar, with glutamine, which is neutral and polar, at codon 746 of the LRP5 protein (p.Arg746Gln). This variant is present in population databases (rs766548006, gnomAD 0.004%). This missense change has been observed in individual(s) with familial exudative vitreoretinopathy (PMID: 30452590, 34860240). ClinVar contains an entry for this variant (Variation ID: 1035471). Invitae Evidence Modeling of protein sequence and biophysical properties (such as structural, functional, and spatial information, amino acid conservation, physicochemical variation, residue mobility, and thermodynamic stability) has been performed for this missense variant. However, the output from this modeling did not meet the statistical confidence thresholds required to predict the impact of this variant on LRP5 protein function. This variant disrupts the p.Arg746 amino acid residue in LRP5. Other variant(s) that disrupt this residue have been observed in individuals with LRP5-related conditions (PMID: 28494495), which suggests that this may be a clinically significant amino acid residue. In summary, the available evidence is currently insufficient to determine the role of this variant in disease. Therefore, it has been classified as a Variant of Uncertain Significance.

Blueprint Genetics
Classification: Uncertain significance. Last evaluated: 2022-09-29. Review status: criteria provided, single submitter. Criteria: ACMG Guidelines, 2015. Collection method: clinical testing. Allele origin: germline.

Genome Diagnostics Laboratory, The Hospital for Sick Children
Classification: Uncertain significance for Osteogenesis imperfecta. Last evaluated: 2021-06-21. Review status: criteria provided, single submitter. Criteria: ACMG Guidelines, 2015. Collection method: clinical testing. Allele origin: germline.

Literature cited by the submitters: PubMed 30452590 (cited by Labcorp Genetics (formerly Invitae), Labcorp); PubMed 34860240 (cited by Labcorp Genetics (formerly Invitae), Labcorp); PubMed 28494495 (cited by Labcorp Genetics (formerly Invitae), Labcorp).

NM_002335.4(LRP5):c.2237G>A (p.Arg746Gln)

Gene: LRP5 (LDL receptor related protein 5; plus strand). Cytogenetic location: 11q13.2.
Variant type: single nucleotide variant.
Coding change: c.2237G>A on transcript NM_002335.4 (MANE Select); coding-DNA position 2237, G replaced by A.
Protein change: p.Arg746Gln; replaces arginine 746 with glutamine.
Molecular consequence: missense variant.
Genome position (GRCh38, 1-based): chr11:68,410,059, G>A. VCF-style: chr11-68410059-G-A. GRCh37 (hg19) VCF-style: chr11-68177527-G-A.
Other names: c.494G>A, p.Arg165Gln (NM_001291902.2); short protein forms R165Q, R746Q.
Identifiers: ClinVar variation 1035471 (VCV001035471.13), dbSNP rs766548006, ClinGen allele CA6149567.